The following is an entry in ClinVar:

NM_001167.4(XIAP):c.43G>A (p.Ala15Thr)

Gene: XIAP (X-linked inhibitor of apoptosis; plus strand). Cytogenetic location: Xq25.
Variant type: single nucleotide variant.
Coding change: c.43G>A on transcript NM_001167.4 (MANE Select); coding-DNA position 43, G replaced by A.
Protein change: p.Ala15Thr; replaces alanine 15 with threonine.
Molecular consequence: missense variant.
Genome position (GRCh38, 1-based): chrX:123,885,705, G>A. VCF-style: chrX-123885705-G-A. GRCh37 (hg19) VCF-style: chrX-123019555-G-A.
Other names: c.43G>A, p.Ala15Thr (NM_001204401.2, NM_001378590.1, NM_001378591.1 and 1 more transcripts); short protein forms A15T.
Identifiers: ClinVar variation 3714745 (VCV003714745.2).

ClinVar aggregate classification (germline): Uncertain significance (1 of 4 stars; one submission).

Conditions:
X-linked lymphoproliferative disease due to XIAP deficiency. Also called: XIAP-Related Lymphoproliferative Disease, X-Linked; XIAP DEFICIENCY. Identifiers: Orphanet 2442, Orphanet 538934, MedGen C1845076, MONDO:0010385, OMIM 300635.

Submission:

Labcorp Genetics (formerly Invitae), Labcorp
Classification: Uncertain significance for X-linked lymphoproliferative disease due to XIAP deficiency. Last evaluated: 2025-01-12. Review status: criteria provided, single submitter. Criteria: Invitae Variant Classification Sherloc (09022015). Collection method: clinical testing. Allele origin: germline.
Comment: This sequence change replaces alanine, which is neutral and non-polar, with threonine, which is neutral and polar, at codon 15 of the XIAP protein (p.Ala15Thr). This variant is not present in population databases (gnomAD no frequency). This variant has not been reported in the literature in individuals affected with XIAP-related conditions. An algorithm developed to predict the effect of missense changes on protein structure and function outputs the following: PolyPhen-2: "Benign". The threonine amino acid residue is found in multiple mammalian species, which suggests that this missense change does not adversely affect protein function. In summary, the available evidence is currently insufficient to determine the role of this variant in disease. Therefore, it has been classified as a Variant of Uncertain Significance.